The following is an entry in ClinVar:

ClinVar aggregate classification (germline): Conflicting classifications of pathogenicity. Review status: criteria provided, conflicting classifications (1 of 4 stars). 4 submissions from 4 submitters: Uncertain significance (2); Likely benign (2). Last evaluated 2023-12-13.

Conditions:
Malignant hyperthermia, susceptibility to, 1 (MHS1). Also called: RYR1-Related Malignant Hyperthermia Susceptibility; Anesthesia related hyperthermia; Malignant hyperpyrexia; Fulminating hyperpyrexia; Pharmacogenic myopathy; Malignant hyperthermia suceptibility 1. Identifiers: Orphanet 423, MedGen C2930980, MONDO:0007783, OMIM 145600.
RYR1-related disorder. Also called: RYR1-related condition; RYR1-related disorders. Identifiers: MedGen CN239331.

Allele frequency attached by ClinVar (database versions not stated): gnomAD 0.00001; ExAC 0.00002; gnomAD exomes 0.00002; TOPMed 0.00002; ESP Exome Variant Server 0.00008.
gnomAD v4.1: 11 of 1,613,944 alleles (0.00068%); highest among the groups gnomAD compares: Non-Finnish European, 0.00093%; no homozygotes.

Submissions (4):

All of Us Research Program, National Institutes of Health
Classification: Likely benign for Malignant hyperthermia, susceptibility to, 1. Last evaluated: 2023-12-13. Review status: criteria provided, single submitter. Criteria: ACMG Guidelines, 2015. Collection method: clinical testing. Allele origin: germline. Inheritance: Autosomal dominant inheritance. Observed: 5 variant alleles, 5 heterozygotes.
Comment: This study involves interpretation of variants in research participants for the purpose of population health screening. Participant phenotype was not available at the time of variant classification. Additional details can be found in publication PMID: 35346344, PMCID: PMC8962531

Color Diagnostics, LLC DBA Color Health
Classification: Likely benign for Malignant hyperthermia, susceptibility to, 1. Last evaluated: 2022-12-12. Review status: criteria provided, single submitter. Criteria: ACMG Guidelines, 2015. Collection method: clinical testing. Allele origin: germline.

Labcorp Genetics (formerly Invitae), Labcorp
Classification: Uncertain significance for RYR1-related disorder. Last evaluated: 2021-08-27. Review status: criteria provided, single submitter. Criteria: Invitae Variant Classification Sherloc (09022015). Collection method: clinical testing. Allele origin: germline.
Comment: This sequence change falls in intron 34 of the RYR1 gene. It does not directly change the encoded amino acid sequence of the RYR1 protein. It affects a nucleotide within the consensus splice site of the intron. This variant is present in population databases (rs370111319, ExAC 0.003%). This variant has not been reported in the literature in individuals affected with RYR1-related conditions. Variants that disrupt the consensus splice site are a relatively common cause of aberrant splicing (PMID: 17576681, 9536098). Algorithms developed to predict the effect of sequence changes on RNA splicing suggest that this variant is not likely to affect RNA splicing. In summary, the available evidence is currently insufficient to determine the role of this variant in disease. Therefore, it has been classified as a Variant of Uncertain Significance.

Revvity Omics, Revvity
Classification: Uncertain significance. Last evaluated: 2020-09-08. Review status: criteria provided, single submitter. Criteria: ACMG Guidelines, 2015. Collection method: clinical testing. Allele origin: germline.

Literature cited by the submitters: PubMed 17576681 (cited by Labcorp Genetics (formerly Invitae), Labcorp); PubMed 9536098 (cited by Labcorp Genetics (formerly Invitae), Labcorp).

NM_000540.3(RYR1):c.5548-3T>C

Gene: RYR1 (ryanodine receptor 1; plus strand). Cytogenetic location: 19q13.2.
Variant type: single nucleotide variant.
Coding change: c.5548-3T>C on transcript NM_000540.3 (MANE Select); 3 bases into the intron before coding-DNA position 5548, T replaced by C.
Molecular consequence: intron variant.
Genome position (GRCh38, 1-based): chr19:38,489,174, T>C. VCF-style: chr19-38489174-T-C. GRCh37 (hg19) VCF-style: chr19-38979814-T-C.
Other names: c.5548-3T>C (NM_001042723.2).
Identifiers: ClinVar variation 544482 (VCV000544482.12), dbSNP rs370111319, ClinGen allele CA067257.